The following is an entry in ClinVar:

ClinVar aggregate classification (germline): Likely benign. Review status: criteria provided, multiple submitters, no conflicts (2 of 4 stars). 3 submissions from 3 submitters: Likely benign (3). Last evaluated 2026-01-19.

Conditions:
DST-related disorder. Also called: DST-related disorders; DST-related condition.
Epidermolysis bullosa simplex 3, localized or generalized intermediate, with BP230 deficiency (EBS3). Also called: Epidermolysis bullosa simplex due to BP230 deficiency; Epidermolysis bullosa simplex, autosomal recessive 2. Identifiers: Orphanet 412181, MedGen C3809470, MONDO:0014180, OMIM 615425.
Hereditary sensory and autonomic neuropathy type 6. Also called: Neuropathy, hereditary sensory and autonomic, type VI; HSAN VI. Identifiers: Orphanet 314381, MedGen C3539003, MONDO:0013839, OMIM 614653.

Allele frequency attached by ClinVar (database versions not stated): TOPMed 0.00015; 1000 Genomes Project 30x 0.00016; 1000 Genomes Project 0.00020; gnomAD 0.00021 and 0.00022; ExAC 0.00023; gnomAD exomes 0.00023 and 0.00025.
gnomAD v4.1: 372 of 1,613,970 alleles (0.023%); highest among the groups gnomAD compares: Middle Eastern, 0.049%; no homozygotes.

Submissions (3):

Labcorp Genetics (formerly Invitae), Labcorp
Classification: Likely benign for Epidermolysis bullosa simplex 3, localized or generalized intermediate, with BP230 deficiency; Hereditary sensory and autonomic neuropathy type 6. Last evaluated: 2026-01-19. Review status: criteria provided, single submitter. Criteria: Invitae Variant Classification Sherloc (09022015). Collection method: clinical testing. Allele origin: germline.

PreventionGenetics, part of Exact Sciences
Classification: Likely benign for DST-related condition. Last evaluated: 2024-10-11. Review status: criteria provided, single submitter. Criteria: ACMG Guidelines, 2015. Collection method: clinical testing. Allele origin: germline.
Comment: This variant is classified as likely benign based on ACMG/AMP sequence variant interpretation guidelines (Richards et al. 2015 PMID: 25741868, with internal and published modifications).

Blueprint Genetics
Classification: Likely benign. Last evaluated: 2024-06-03. Review status: criteria provided, single submitter. Criteria: ACMG Guidelines, 2015. Collection method: clinical testing. Allele origin: germline.

NM_001723.7(DST):c.4443G>A (p.Gly1481=)

Gene: DST (dystonin; minus strand). Cytogenetic location: 6p12.1.
Variant type: single nucleotide variant.
Coding change: c.4443G>A on transcript NM_001723.7 (MANE Plus Clinical); coding-DNA position 4443, G replaced by A.
Protein change: p.Gly1481=; no amino-acid change (glycine 1481 retained).
Molecular consequence: synonymous variant. On other transcripts: intron variant (10).
Genome position (GRCh38, 1-based): chr6:56,619,591, C>T on the plus strand (G>A on the coding strand, the complement: DST is on the minus strand). VCF-style: chr6-56619591-C-T. GRCh37 (hg19) VCF-style: chr6-56484389-C-T.
Other names: c.4830+4939G>A (NM_001144769.5); c.4929+4939G>A (NM_001374722.1, NM_001374736.1); c.4956+4939G>A (NM_001374734.1); c.4416+4939G>A (NM_001144770.2); c.4296+4939G>A (NM_001374730.1, NM_001386100.1, NM_183380.4 and 1 more transcripts); c.3318+4939G>A (NM_015548.5).
Identifiers: ClinVar variation 541485 (VCV000541485.14), dbSNP rs144396052, ClinGen allele CA3870528.